The following is an entry in ClinVar:

NM_022821.4(ELOVL1):c.335G>C (p.Trp112Ser)

Gene: ELOVL1 (ELOVL fatty acid elongase 1; minus strand). Cytogenetic location: 1p34.2.
Variant type: single nucleotide variant.
Coding change: c.335G>C on transcript NM_022821.4 (MANE Select); coding-DNA position 335, G replaced by C.
Protein change: p.Trp112Ser; replaces tryptophan 112 with serine.
Molecular consequence: missense variant. On other transcripts: non-coding transcript variant (1).
Genome position (GRCh38, 1-based): chr1:43,364,778, C>G on the plus strand (G>C on the coding strand, the complement: ELOVL1 is on the minus strand). VCF-style: chr1-43364778-C-G. GRCh37 (hg19) VCF-style: chr1-43830449-C-G.
Other names: c.335G>C, p.Trp112Ser (NM_001256399.2); c.254G>C, p.Trp85Ser (NM_001256401.2); c.92G>C, p.Trp31Ser (NM_001256402.2); short protein forms W31S, W112S, W85S.
Identifiers: ClinVar variation 2027691 (VCV002027691.4), dbSNP rs2545705834, ClinGen allele CA340016070.

ClinVar aggregate classification (germline): Uncertain significance (1 of 4 stars; one submission).

Submission:

Labcorp Genetics (formerly Invitae), Labcorp
Classification: Uncertain significance. Last evaluated: 2022-09-16. Review status: criteria provided, single submitter. Criteria: Invitae Variant Classification Sherloc (09022015). Collection method: clinical testing. Allele origin: germline.
Comment: This variant is not present in population databases (gnomAD no frequency). In summary, the available evidence is currently insufficient to determine the role of this variant in disease. Therefore, it has been classified as a Variant of Uncertain Significance. Advanced modeling of protein sequence and biophysical properties (such as structural, functional, and spatial information, amino acid conservation, physicochemical variation, residue mobility, and thermodynamic stability) performed at Invitae indicates that this missense variant is expected to disrupt ELOVL1 protein function. This variant has not been reported in the literature in individuals affected with ELOVL1-related conditions. This sequence change replaces tryptophan, which is neutral and slightly polar, with serine, which is neutral and polar, at codon 112 of the ELOVL1 protein (p.Trp112Ser).